The following is an entry in ClinVar:

ClinVar aggregate classification (germline): Pathogenic (1 of 4 stars; one submission).

Conditions:
Cardiomyopathy (CMYO). Also called: Cardiomyopathies. Identifiers: Orphanet 167848, MedGen C0878544, MONDO:0004994, HP:0001638. Inheritance: Various modes of inheritance.

Submission:

Color Diagnostics, LLC DBA Color Health
Classification: Pathogenic for Cardiomyopathy. Last evaluated: 2019-01-24. Review status: criteria provided, single submitter. Criteria: ACMG Guidelines, 2015. Collection method: clinical testing. Allele origin: germline.
Comment: This variant inserts 1 nucleotide in exon 4 of the PKP2 gene, creating a frameshift and premature translation stop signal. This variant is expected to result in an absent or non-functional protein product. To our knowledge, functional assays have not been performed for this variant nor has this variant been reported in individuals affected with cardiovascular disorders in the literature. This variant has not been identified in the general population by the Genome Aggregation Database (gnomAD). Loss of PKP2 function is a known mechanism of disease. Based on available evidence, this variant is classified as Pathogenic.

NM_001005242.3(PKP2):c.1128dup (p.Ile377fs)

Gene: PKP2 (plakophilin 2; minus strand). Cytogenetic location: 12p11.21.
Variant type: Duplication.
Coding change: c.1128dup on transcript NM_001005242.3 (MANE Select); coding-DNA position 1128, one base duplicated (C; older notation c.1128dupC).
Protein change: p.Ile377fs; shifts the reading frame from isoleucine 377.
Molecular consequence: frameshift variant.
Genome position (GRCh38, 1-based): chr12:32,868,969, G duplicated on the plus strand (C on the coding strand, the reverse complement: PKP2 is on the minus strand). VCF-style (leftmost placement, unchanged base first): chr12-32868968-T-TG. GRCh37 (hg19) VCF-style: chr12-33021902-T-TG.
Other names: c.1128dup, p.Ile377fs (NM_004572.4); short protein forms I377fs.
Identifiers: ClinVar variation 919177 (VCV000919177.3), dbSNP rs1956873853, ClinGen allele CA913188468.